The following is an entry in ClinVar:

NM_001374736.1(DST):c.19740+2T>C

Gene: DST (dystonin; minus strand). Cytogenetic location: 6p12.1.
Variant type: single nucleotide variant.
Coding change: c.19740+2T>C on transcript NM_001374736.1 (MANE Select); the canonical splice donor site of the intron after coding-DNA position 19740, T replaced by C.
Molecular consequence: splice donor variant.
Genome position (GRCh38, 1-based): chr6:56,501,518, A>G on the plus strand (T>C on the coding strand, the complement: DST is on the minus strand). VCF-style: chr6-56501518-A-G. GRCh37 (hg19) VCF-style: chr6-56366316-A-G.
Other names: c.13383+2T>C (NM_001144769.5); c.19740+2T>C (NM_001374722.1); c.19767+2T>C (NM_001374734.1); c.12969+2T>C (NM_001144770.2); c.12522+2T>C (NM_001374730.1); c.12849+2T>C (NM_001386100.1, NM_183380.4); c.18780+2T>C (NM_001374729.1); c.11871+2T>C (NM_015548.5).
Identifiers: ClinVar variation 3762248 (VCV003762248.2).

ClinVar aggregate classification (germline): Likely pathogenic (1 of 4 stars; one submission).

Conditions:
Epidermolysis bullosa simplex 3, localized or generalized intermediate, with BP230 deficiency (EBS3). Also called: Epidermolysis bullosa simplex due to BP230 deficiency; Epidermolysis bullosa simplex, autosomal recessive 2. Identifiers: Orphanet 412181, MedGen C3809470, MONDO:0014180, OMIM 615425.
Hereditary sensory and autonomic neuropathy type 6. Also called: Neuropathy, hereditary sensory and autonomic, type VI; HSAN VI. Identifiers: Orphanet 314381, MedGen C3539003, MONDO:0013839, OMIM 614653.

gnomAD v4.1: 8 of 1,540,750 alleles (0.00052%); highest among the groups gnomAD compares: Admixed American, 0.002%; no homozygotes.

Submission:

Labcorp Genetics (formerly Invitae), Labcorp
Classification: Likely pathogenic for Epidermolysis bullosa simplex 3, localized or generalized intermediate, with BP230 deficiency; Hereditary sensory and autonomic neuropathy type 6. Last evaluated: 2024-03-02. Review status: criteria provided, single submitter. Criteria: Invitae Variant Classification Sherloc (09022015). Collection method: clinical testing. Allele origin: germline.
Comment: The DST gene has multiple clinically relevant transcripts. This variant occurs in alternate transcript NM_015548.4, and corresponds to NM_001723.5:c.*113999T>C in the primary transcript. This sequence change affects a donor splice site in intron 60 of the DST gene. It is expected to disrupt RNA splicing. Variants that disrupt the donor or acceptor splice site typically lead to a loss of protein function (PMID: 16199547), and loss-of-function variants in DST are known to be pathogenic (PMID: 22522446, 25059916, 30371979). This variant is present in population databases (rs766997787, gnomAD 0.004%). This variant has not been reported in the literature in individuals affected with DST-related conditions. Experimental studies and prediction algorithms are not available or were not evaluated, and the effect of this variant on mRNA splicing is currently unknown. In summary, the currently available evidence indicates that the variant is pathogenic, but additional data are needed to prove that conclusively. Therefore, this variant has been classified as Likely Pathogenic.

Literature cited by the submitters: PubMed 16199547; PubMed 22522446; PubMed 25059916; PubMed 30371979.